The following is an entry in ClinVar:

NM_020738.4(KIDINS220):c.3817-9T>G

Gene: KIDINS220 (kinase D interacting substrate 220; minus strand). Cytogenetic location: 2p25.1.
Variant type: single nucleotide variant.
Coding change: c.3817-9T>G on transcript NM_020738.4 (MANE Select); 9 bases into the intron before coding-DNA position 3817, T replaced by G.
Molecular consequence: intron variant.
Genome position (GRCh38, 1-based): chr2:8,733,689, A>C on the plus strand (T>G on the coding strand, the complement: KIDINS220 is on the minus strand). VCF-style: chr2-8733689-A-C. GRCh37 (hg19) VCF-style: chr2-8873819-A-C.
Other names: c.3646-9T>G (NM_001348741.2, NM_001348742.2, NM_001348743.2 and 1 more transcripts); c.3760-9T>G (NM_001348738.2, NM_001348732.2); c.3649-9T>G (NM_001348739.2, NM_001348740.2, NM_001348734.2); c.3763-9T>G (NM_001348731.2); c.3820-9T>G (NM_001348729.2); c.3520-9T>G (NM_001348736.2).
Identifiers: ClinVar variation 3344296 (VCV003344296.1).
Genomic context (GRCh38, chr2:8,733,689, plus strand): 5'-AACGTGGGTCTTCAGGGACCACGTGGCTTTCTGCGTTTCTCATTTCTAGTACCTTAACAG[A>C]AGAAAAACATAAATATTTACACTAACAAATCATATTTTAGAAGCTTTAGAAATATTTAGA-3'

ClinVar aggregate classification (germline): Likely benign (0 of 4 stars; one submission).

Conditions:
KIDINS220-related disorder. Also called: KIDINS220-related condition.

gnomAD v4.1: 11 of 1,466,618 alleles (0.00075%); highest among the groups gnomAD compares: South Asian, 0.014%; no homozygotes.

Submission:

PreventionGenetics, part of Exact Sciences
Classification: Likely benign for KIDINS220-related condition. Last evaluated: 2024-06-02. Review status: no assertion criteria provided. Collection method: clinical testing. Allele origin: germline.
Comment: This variant is classified as likely benign based on ACMG/AMP sequence variant interpretation guidelines (Richards et al. 2015 PMID: 25741868, with internal and published modifications).